The following is an entry in ClinVar:

ClinVar aggregate classification (germline): Uncertain significance. Review status: criteria provided, multiple submitters, no conflicts (2 of 4 stars). 4 submissions from 4 submitters: Uncertain significance (4). Last evaluated 2025-06-29.

Conditions:
Inborn genetic diseases. Identifiers: MedGen C0950123, MeSH D030342.
Thrombocytopenia 5 (THC5). Also called: THROMBOCYTOPENIA 5 WITH INCREASED SUSCEPTIBILITY TO MALIGNANCY; THROMBOCYTOPENIA, AUTOSOMAL DOMINANT, 5. Identifiers: MedGen C4015537, MONDO:0014536, OMIM 616216.

gnomAD v4.1: 4 of 1,614,194 alleles (0.00025%); highest among the groups gnomAD compares: Non-Finnish European, 0.00034%; no homozygotes.

Submissions (4):

Labcorp Genetics (formerly Invitae), Labcorp
Classification: Uncertain significance. Last evaluated: 2025-06-29. Review status: criteria provided, single submitter. Criteria: Invitae Variant Classification Sherloc (09022015). Collection method: clinical testing. Allele origin: germline.
Comment: This sequence change replaces glutamic acid, which is acidic and polar, with lysine, which is basic and polar, at codon 355 of the ETV6 protein (p.Glu355Lys). This variant is not present in population databases (gnomAD no frequency). This variant has not been reported in the literature in individuals affected with ETV6-related conditions. ClinVar contains an entry for this variant (Variation ID: 3343684). Invitae Evidence Modeling of protein sequence and biophysical properties (such as structural, functional, and spatial information, amino acid conservation, physicochemical variation, residue mobility, and thermodynamic stability) indicates that this missense variant is not expected to disrupt ETV6 protein function with a negative predictive value of 80%. In summary, the available evidence is currently insufficient to determine the role of this variant in disease. Therefore, it has been classified as a Variant of Uncertain Significance.

Ambry Genetics
Classification: Uncertain significance for Inborn genetic diseases. Last evaluated: 2024-12-03. Review status: criteria provided, single submitter. Criteria: Ambry Variant Classification Scheme 2023. Collection method: clinical testing. Allele origin: germline.
Comment: The p.E355K variant (also known as c.1063G>A), located in coding exon 6 of the ETV6 gene, results from a G to A substitution at nucleotide position 1063. The glutamic acid at codon 355 is replaced by lysine, an amino acid with similar properties. This amino acid position is conserved. In addition, the in silico prediction for this alteration is inconclusive. Based on the available evidence, the clinical significance of this variant remains unclear.

St. Jude Molecular Pathology, St. Jude Children's Research Hospital
Classification: Uncertain significance for Thrombocytopenia 5. Last evaluated: 2024-08-24. Review status: criteria provided, single submitter. Criteria: St. Jude Assertion Criteria 2020. Collection method: clinical testing. Allele origin: germline.
Comment: The ETV6 c.1063G>A (p.Glu355Lys) missense change is absent in gnomAD v2.1.1. The in silico tool REVEL is inconclusive about a pathogenic or benign effect of this variant on protein function, and to our knowledge functional studies have not been performed. To our knowledge, this variant has not been reported in the literature in individuals with ETV6-related disease. In summary, the evidence currently available is insufficient to determine the clinical significance of this variant. It has therefore been classified as of uncertain significance.

GeneDx
Classification: Uncertain significance. Last evaluated: 2023-05-19. Review status: criteria provided, single submitter. Criteria: GeneDx Variant Classification Process June 2021. Collection method: clinical testing. Allele origin: germline. Affected: yes.
Comment: Not observed at significant frequency in large population cohorts (gnomAD); In silico analysis supports that this missense variant has a deleterious effect on protein structure/function; Has not been previously published as pathogenic or benign to our knowledge; This variant is associated with the following publications: (PMID: 28637624, 28555414)

NM_001987.5(ETV6):c.1063G>A (p.Glu355Lys)

Genes: ETV6 (ETS variant transcription factor 6; plus strand), LOC126861452 (CDK7 strongly-dependent group 2 enhancer GRCh37_chr12:12037195-12038394; plus strand). Cytogenetic location: 12p13.2.
Variant type: single nucleotide variant.
Coding change: c.1063G>A on transcript NM_001987.5 (MANE Select); coding-DNA position 1063, G replaced by A.
Protein change: p.Glu355Lys; replaces glutamic acid 355 with lysine.
Molecular consequence: missense variant. On other transcripts: intron variant (1).
Genome position (GRCh38, 1-based): chr12:11,884,498, G>A. VCF-style: chr12-11884498-G-A. GRCh37 (hg19) VCF-style: chr12-12037432-G-A.
Other names: c.1060G>A, p.Glu354Lys (NM_001413913.1); c.1036G>A, p.Glu346Lys (NM_001413914.1); c.799G>A, p.Glu267Lys (NM_001413915.1); c.1010-6443G>A (NM_001413917.1); short protein forms E267K, E346K, E354K, E355K.
Identifiers: ClinVar variation 3343684 (VCV003343684.4).
Genomic context (GRCh38, chr12:11,884,498, plus strand): 5'-TCTGTAGACTGTAGACTGCTTTGGGATTACGTCTATCAGTTGCTTTCTGACAGCCGGTAC[G>A]AAAACTTCATCCGATGGGAGGACAAAGAATCCAAAATATTCCGGATAGTGGATCCCAACG-3'
Protein context (NP_001978.1, residues 345-365): VYQLLSDSRY[Glu355Lys]NFIRWEDKES